The following is an entry in ClinVar:

ClinVar aggregate classification (germline): Uncertain significance. Review status: criteria provided, multiple submitters, no conflicts (2 of 4 stars). 2 submissions from 2 submitters: Uncertain significance (2). Last evaluated 2025-10-29.

Conditions:
Congenital myasthenic syndrome 8. Also called: MYASTHENIC SYNDROME, CONGENITAL, DUE TO AGRIN DEFICIENCY; Myasthenic syndrome, congenital, 8, with pre- and postsynaptic defects. Identifiers: Orphanet 590, MedGen C3808739, MONDO:0014052, OMIM 615120.
Inborn genetic diseases. Identifiers: MedGen C0950123, MeSH D030342.

Allele frequency attached by ClinVar (database versions not stated): ESP Exome Variant Server 0.00008.
gnomAD v4.1: 19 of 1,607,516 alleles (0.0012%); highest among the groups gnomAD compares: South Asian, 0.0044%; no homozygotes.

Submissions (2):

Ambry Genetics
Classification: Uncertain significance for Inborn genetic diseases. Last evaluated: 2025-10-29. Review status: criteria provided, single submitter. Criteria: Ambry Variant Classification Scheme 2023. Collection method: clinical testing. Allele origin: germline.

Labcorp Genetics (formerly Invitae), Labcorp
Classification: Uncertain significance for Congenital myasthenic syndrome 8. Last evaluated: 2024-08-13. Review status: criteria provided, single submitter. Criteria: Invitae Variant Classification Sherloc (09022015). Collection method: clinical testing. Allele origin: germline.
Comment: This sequence change replaces arginine, which is basic and polar, with glutamine, which is neutral and polar, at codon 660 of the AGRN protein (p.Arg660Gln). This variant is present in population databases (rs370983524, gnomAD 0.01%). This variant has not been reported in the literature in individuals affected with AGRN-related conditions. ClinVar contains an entry for this variant (Variation ID: 1053671). An algorithm developed to predict the effect of missense changes on protein structure and function (PolyPhen-2) suggests that this variant is likely to be disruptive. In summary, the available evidence is currently insufficient to determine the role of this variant in disease. Therefore, it has been classified as a Variant of Uncertain Significance.

NM_198576.4(AGRN):c.1979G>A (p.Arg660Gln)

Gene: AGRN (agrin; plus strand). Cytogenetic location: 1p36.33.
Variant type: single nucleotide variant.
Coding change: c.1979G>A on transcript NM_198576.4 (MANE Select); coding-DNA position 1979, G replaced by A.
Protein change: p.Arg660Gln; replaces arginine 660 with glutamine.
Molecular consequence: missense variant.
Genome position (GRCh38, 1-based): chr1:1,044,003, G>A. VCF-style: chr1-1044003-G-A. GRCh37 (hg19) VCF-style: chr1-979383-G-A.
Other names: c.1979G>A, p.Arg660Gln (NM_001305275.2); c.1664G>A, p.Arg555Gln (NM_001364727.2); c.1979G>A (NM_198576.3); short protein forms R555Q, R660Q.
Identifiers: ClinVar variation 1053671 (VCV001053671.10), dbSNP rs370983524, ClinGen allele CA508399.